The following is an entry in ClinVar:

NM_004260.4(RECQL4):c.16G>T (p.Asp6Tyr)

Genes: RECQL4 (RecQ like helicase 4; minus strand), LOC130001411 (ATAC-STARR-seq lymphoblastoid silent region 19699; plus strand). Cytogenetic location: 8q24.3.
Variant type: single nucleotide variant.
Coding change: c.16G>T on transcript NM_004260.4 (MANE Select); coding-DNA position 16, G replaced by T.
Protein change: p.Asp6Tyr; replaces aspartic acid 6 with tyrosine.
Molecular consequence: missense variant. On other transcripts: 5 prime UTR variant (17), non-coding transcript variant (3).
Genome position (GRCh38, 1-based): chr8:144,517,769, C>A on the plus strand (G>T on the coding strand, the complement: RECQL4 is on the minus strand). VCF-style: chr8-144517769-C-A. GRCh37 (hg19) VCF-style: chr8-145743153-C-A.
Other names: c.16G>T, p.Asp6Tyr (NM_001413017.1, NM_001413018.1, NM_001413019.1 and 6 more transcripts); c.-770G>T (NM_001413021.1); c.-1121G>T (NM_001413022.1, NM_001413023.1, NM_001413037.1 and 2 more transcripts); c.-1018G>T (NM_001413024.1); c.-1118G>T (NM_001413027.1); c.-846G>T (NM_001413028.1); c.-1183G>T (NM_001413030.1, NM_001413031.1, NM_001413041.1); c.-1015G>T (NM_001413032.1); and 4 more; short protein forms D6Y.
Identifiers: ClinVar variation 2819292 (VCV002819292.3), dbSNP rs1009265867, ClinGen allele CA372693990.

ClinVar aggregate classification (germline): Uncertain significance (1 of 4 stars; one submission).

Conditions:
Baller-Gerold syndrome (BGS). Also called: CRANIOSYNOSTOSIS WITH RADIAL DEFECTS. Identifiers: Orphanet 1225, MedGen C0265308, MONDO:0009039, OMIM 218600.

Submission:

Labcorp Genetics (formerly Invitae), Labcorp
Classification: Uncertain significance for Baller-Gerold syndrome. Last evaluated: 2023-04-06. Review status: criteria provided, single submitter. Criteria: Invitae Variant Classification Sherloc (09022015). Collection method: clinical testing. Allele origin: germline.
Comment: This sequence change replaces aspartic acid, which is acidic and polar, with tyrosine, which is neutral and polar, at codon 6 of the RECQL4 protein (p.Asp6Tyr). This variant is not present in population databases (gnomAD no frequency). This variant has not been reported in the literature in individuals affected with RECQL4-related conditions. Experimental studies and prediction algorithms are not available or were not evaluated, and the functional significance of this variant is currently unknown. Algorithms developed to predict the effect of sequence changes on RNA splicing suggest that this variant may create or strengthen a splice site. In summary, the available evidence is currently insufficient to determine the role of this variant in disease. Therefore, it has been classified as a Variant of Uncertain Significance.